The following is an entry in ClinVar:

NM_005465.7(AKT3):c.1202G>A (p.Arg401Lys)

Gene: AKT3 (AKT serine/threonine kinase 3; minus strand). Cytogenetic location: 1q44.
Variant type: single nucleotide variant.
Coding change: c.1202G>A on transcript NM_005465.7 (MANE Select); coding-DNA position 1202, G replaced by A.
Protein change: p.Arg401Lys; replaces arginine 401 with lysine.
Molecular consequence: missense variant.
Genome position (GRCh38, 1-based): chr1:243,545,559, C>T on the plus strand (G>A on the coding strand, the complement: AKT3 is on the minus strand). VCF-style: chr1-243545559-C-T. GRCh37 (hg19) VCF-style: chr1-243708861-C-T.
Other names: c.1202G>A, p.Arg401Lys (NM_001206729.2, NM_001370074.1, NM_181690.2); c.1202G>A (NM_005465.4); short protein forms R401K.
Identifiers: ClinVar variation 1440227 (VCV001440227.7), dbSNP rs771494754, ClinGen allele CA1483955.

ClinVar aggregate classification (germline): Conflicting classifications of pathogenicity. Review status: criteria provided, conflicting classifications (1 of 4 stars). 2 submissions from 2 submitters: Uncertain significance (1); Likely benign (1). Last evaluated 2025-08-25.

Conditions:
Megalencephaly-polymicrogyria-polydactyly-hydrocephalus syndrome 2 (MPPH2). Also called: MEGALENCEPHALY-POLYMICROGYRIA-POLYDACTYLY-HYDROCEPHALUS SYNDROME 2, SOMATIC. Identifiers: Orphanet 83473, MedGen C4014738, MONDO:0014407, OMIM 615937.
Inborn genetic diseases. Identifiers: MedGen C0950123, MeSH D030342.

Allele frequency attached by ClinVar (database versions not stated): ExAC 0.00001; gnomAD exomes 0.00002; TOPMed 0.00002; gnomAD 0.00005.
gnomAD v4.1: 36 of 1,612,866 alleles (0.0022%); highest among the groups gnomAD compares: African/African-American, 0.004%; no homozygotes.

Submissions (2):

Ambry Genetics
Classification: Likely benign for Inborn genetic diseases. Last evaluated: 2025-08-25. Review status: criteria provided, single submitter. Criteria: Ambry Variant Classification Scheme 2023. Collection method: clinical testing. Allele origin: germline.

Labcorp Genetics (formerly Invitae), Labcorp
Classification: Uncertain significance for Megalencephaly-polymicrogyria-polydactyly-hydrocephalus syndrome 2. Last evaluated: 2024-04-05. Review status: criteria provided, single submitter. Criteria: Invitae Variant Classification Sherloc (09022015). Collection method: clinical testing. Allele origin: germline.
Comment: This sequence change replaces arginine, which is basic and polar, with lysine, which is basic and polar, at codon 401 of the AKT3 protein (p.Arg401Lys). This variant is present in population databases (rs771494754, gnomAD 0.003%). This variant has not been reported in the literature in individuals affected with AKT3-related conditions. ClinVar contains an entry for this variant (Variation ID: 1440227). An algorithm developed to predict the effect of missense changes on protein structure and function (PolyPhen-2) suggests that this variant is likely to be tolerated. In summary, the available evidence is currently insufficient to determine the role of this variant in disease. Therefore, it has been classified as a Variant of Uncertain Significance.